The following is an entry in ClinVar:

NM_001146079.2(CLDN14):c.63G>A (p.Thr21=)

Genes: CLDN14-AS1 (CLDN14 antisense RNA 1; plus strand), CLDN14 (claudin 14; minus strand). Cytogenetic location: 21q22.13.
Variant type: single nucleotide variant.
Coding change: c.63G>A on transcript NM_001146079.2 (MANE Select); coding-DNA position 63, G replaced by A.
Protein change: p.Thr21=; no amino-acid change (threonine 21 retained).
Molecular consequence: synonymous variant.
Genome position (GRCh38, 1-based): chr21:36,461,633, C>T on the plus strand (G>A on the coding strand, the complement: CLDN14 is on the minus strand). VCF-style: chr21-36461633-C-T. GRCh37 (hg19) VCF-style: chr21-37833931-C-T.
Other names: c.63G>A, p.Thr21= (NM_001146077.2, NM_001146078.3, NM_012130.4 and 1 more transcripts).
Identifiers: ClinVar variation 44087 (VCV000044087.22), dbSNP rs117560775, ClinGen allele CA133530.

ClinVar aggregate classification (germline): Benign/Likely benign. Review status: criteria provided, multiple submitters, no conflicts (2 of 4 stars). 8 submissions from 8 submitters: Benign (6); Likely benign (2). Last evaluated 2026-02-01.

Conditions:
Autosomal recessive nonsyndromic hearing loss 29. Identifiers: Orphanet 90636, MedGen C3279660, MONDO:0013537, OMIM 614035.

Allele frequency attached by ClinVar (database versions not stated): gnomAD 0.02337 and 0.02306; 1000 Genomes Project 30x 0.02342; TOPMed 0.02615; ESP Exome Variant Server 0.02185; 1000 Genomes Project 0.02236; gnomAD exomes 0.02905 and 0.03026; ExAC 0.03975.
gnomAD v4.1: 45,087 of 1,585,838 alleles (2.8%); highest among the groups gnomAD compares: Admixed American, 7.7%; 849 homozygotes.

Submissions (8):

Labcorp Genetics (formerly Invitae), Labcorp
Classification: Benign. Last evaluated: 2026-02-01. Review status: criteria provided, single submitter. Criteria: Invitae Variant Classification Sherloc (09022015). Collection method: clinical testing. Allele origin: germline.

Athena Diagnostics
Classification: Benign. Last evaluated: 2018-11-16. Review status: criteria provided, single submitter. Criteria: Athena Diagnostics Criteria. Collection method: clinical testing. Allele origin: germline.

Illumina Laboratory Services, Illumina
Classification: Likely benign for Autosomal recessive nonsyndromic hearing loss 29. Last evaluated: 2018-01-13. Review status: criteria provided, single submitter. Criteria: ICSL Variant Classification Criteria 13 December 2019. Collection method: clinical testing. Allele origin: germline.
Comment: This variant was observed in the ICSL laboratory as part of a predisposition screen in an ostensibly healthy population. It had not been previously curated by ICSL or reported in the Human Gene Mutation Database (HGMD: prior to June 1st, 2018), and was therefore a candidate for classification through an automated scoring system. Utilizing variant allele frequency, disease prevalence and penetrance estimates, and inheritance mode, an automated score was calculated to assess if this variant is too frequent to cause the disease. Based on the score and internal cut-off values, a variant classified as likely benign is not then subjected to further curation. The score for this variant resulted in a classification of likely benign for this disease.

GeneDx
Classification: Benign. Last evaluated: 2017-10-16. Review status: criteria provided, single submitter. Criteria: GeneDx Variant Classification (06012015). Collection method: clinical testing. Allele origin: germline. Affected: yes.
Comment: This variant is considered likely benign or benign based on one or more of the following criteria: it is a conservative change, it occurs at a poorly conserved position in the protein, it is predicted to be benign by multiple in silico algorithms, and/or has population frequency not consistent with disease.

Eurofins Ntd Llc (ga)
Classification: Benign. Last evaluated: 2014-12-10. Review status: criteria provided, single submitter. Criteria: EGL Classification Definitions 2015. Collection method: clinical testing. Allele origin: germline. Observed: 2 variant alleles, 2 heterozygotes.

Laboratory for Molecular Medicine, Mass General Brigham Personalized Medicine
Classification: Benign. Last evaluated: 2012-05-07. Review status: criteria provided, single submitter. Criteria: LMM Criteria. Collection method: clinical testing. Allele origin: germline. Observed: 100 variant alleles.
Comment: "Thr21Thr in Exon 03 of CLDN14: This variant is not expected to have clinical si gnificance because it does not alter an amino acid residue, is not located withi n the splice consensus sequence, and has been identified in 2.8% (200/7018) of E uropean American chromosomes from a broad population by the NHLBI Exome Sequenci ng Project (dbSNP rs117560775)."

Breakthrough Genomics
Classification: Likely benign. Review status: criteria provided, single submitter. Criteria: ACMG Guidelines, 2015. Collection method: not provided. Allele origin: germline. Inheritance: Autosomal recessive inheritance. Affected: yes.

PreventionGenetics, part of Exact Sciences
Classification: Benign. Review status: criteria provided, single submitter. Criteria: ACMG Guidelines, 2015. Collection method: clinical testing. Allele origin: germline.